The following is an entry in ClinVar:

ClinVar aggregate classification (germline): Uncertain significance (1 of 4 stars; one submission).

Conditions:
Familial thoracic aortic aneurysm and aortic dissection (TAAD). Also called: Thoracic aortic aneurysms and dissections. Identifiers: Orphanet 91387, MedGen C4707243, MONDO:0019625.

Submission:

Color Diagnostics, LLC DBA Color Health
Classification: Uncertain significance for Familial thoracic aortic aneurysm and aortic dissection. Last evaluated: 2025-06-29. Review status: criteria provided, single submitter. Criteria: ACMG Guidelines, 2015. Collection method: clinical testing. Allele origin: germline.
Comment: This missense variant replaces glycine with aspartic acid at codon 2288 of the FBN1 protein. Computational prediction suggests that this variant may not impact protein structure and function. To our knowledge, functional studies have not been reported for this variant. This variant has not been reported in individuals affected with FBN1-related disorders in the literature. This variant has not been identified in the general population by the Genome Aggregation Database (gnomAD). The available evidence is insufficient to determine the role of this variant in disease conclusively. Therefore, this variant is classified as a Variant of Uncertain Significance.

NM_000138.5(FBN1):c.6863G>A (p.Gly2288Asp)

Gene: FBN1 (fibrillin 1; minus strand). Cytogenetic location: 15q21.1.
Variant type: single nucleotide variant.
Coding change: c.6863G>A on transcript NM_000138.5 (MANE Select); coding-DNA position 6863, G replaced by A.
Protein change: p.Gly2288Asp; replaces glycine 2288 with aspartic acid.
Molecular consequence: missense variant.
Genome position (GRCh38, 1-based): chr15:48,430,679, C>T on the plus strand (G>A on the coding strand, the complement: FBN1 is on the minus strand). VCF-style: chr15-48430679-C-T. GRCh37 (hg19) VCF-style: chr15-48722876-C-T.
Other names: c.6863G>A, p.Gly2288Asp (NM_001406716.1); short protein forms G2288D.
Identifiers: ClinVar variation 4757281 (VCV004757281.1).
Genomic context (GRCh38, chr15:48,430,679, plus strand): 5'-TCCACTGTCACTTCTGATGCACTCAAAGCTCCTTCCACAGGGATCCTCTTACCTACACAG[C>T]CTTCTCCATCAGGTCTCCGCTGATACCCGGGTCCACAGATGCACATATATGTGCCAATGA-3'
Protein context (NP_000129.3, residues 2278-2298): PGYQRRPDGE[Gly2288Asp]CVDENECQTK